The following is an entry in ClinVar:

NM_015311.3(OBSL1):c.4172C>T (p.Thr1391Ile)

Gene: OBSL1 (obscurin like cytoskeletal adaptor 1; minus strand). Cytogenetic location: 2q35.
Variant type: single nucleotide variant.
Coding change: c.4172C>T on transcript NM_015311.3 (MANE Select); coding-DNA position 4172, C replaced by T.
Protein change: p.Thr1391Ile; replaces threonine 1391 with isoleucine.
Molecular consequence: missense variant.
Genome position (GRCh38, 1-based): chr2:219,556,618, G>A on the plus strand (C>T on the coding strand, the complement: OBSL1 is on the minus strand). VCF-style: chr2-219556618-G-A. GRCh37 (hg19) VCF-style: chr2-220421340-G-A.
Other names: c.4172C>T (NM_015311.2); c.4172C>T, p.Thr1391Ile (NM_001173431.2); short protein forms T1391I.
Identifiers: ClinVar variation 1914974 (VCV001914974.6), dbSNP rs762564972, ClinGen allele CA2130641.
Genomic context (GRCh38, chr2:219,556,618, plus strand): 5'-CCATTCTGGGCCATCTCCACCTGGGGCCCTGGAGTGACGACGGCCCCATTGCGCAGCCAG[G>A]TGACATCGGCATCTGGTGGGGAGACTTCACACCGGAACGTGGCATCATCGCCCTCGTGGA-3'
Protein context (NP_056126.1, residues 1381-1401): CEVSPPDADV[Thr1391Ile]WLRNGAVVTP

ClinVar aggregate classification (germline): Uncertain significance. Review status: criteria provided, multiple submitters, no conflicts (2 of 4 stars). 2 submissions from 2 submitters: Uncertain significance (2). Last evaluated 2025-08-08.

Conditions:
Inborn genetic diseases. Identifiers: MedGen C0950123, MeSH D030342.

Allele frequency attached by ClinVar (database versions not stated): ExAC 0.00001; gnomAD 0.00001.
gnomAD v4.1: 13 of 1,613,874 alleles (0.00081%); highest among the groups gnomAD compares: Non-Finnish European, 0.00093%; no homozygotes.

Submissions (2):

Ambry Genetics
Classification: Uncertain significance for Inborn genetic diseases. Last evaluated: 2025-08-08. Review status: criteria provided, single submitter. Criteria: Ambry Variant Classification Scheme 2023. Collection method: clinical testing. Allele origin: germline.

Labcorp Genetics (formerly Invitae), Labcorp
Classification: Uncertain significance. Last evaluated: 2021-12-29. Review status: criteria provided, single submitter. Criteria: Invitae Variant Classification Sherloc (09022015). Collection method: clinical testing. Allele origin: germline.
Comment: In summary, the available evidence is currently insufficient to determine the role of this variant in disease. Therefore, it has been classified as a Variant of Uncertain Significance. Algorithms developed to predict the effect of missense changes on protein structure and function are either unavailable or do not agree on the potential impact of this missense change (SIFT: "Tolerated"; PolyPhen-2: "Probably Damaging"; Align-GVGD: "Class C0"). This variant has not been reported in the literature in individuals affected with OBSL1-related conditions. This variant is present in population databases (rs762564972, gnomAD 0.003%). This sequence change replaces threonine, which is neutral and polar, with isoleucine, which is neutral and non-polar, at codon 1391 of the OBSL1 protein (p.Thr1391Ile).